The following is an entry in ClinVar:

NM_152443.3(RDH12):c.593T>C (p.Phe198Ser)

Genes: RDH12 (retinol dehydrogenase 12; plus strand), GPHN (gephyrin; plus strand). Cytogenetic location: 14q24.1.
Variant type: single nucleotide variant.
Coding change: c.593T>C on transcript NM_152443.3 (MANE Select); coding-DNA position 593, T replaced by C.
Protein change: p.Phe198Ser; replaces phenylalanine 198 with serine.
Molecular consequence: missense variant.
Genome position (GRCh38, 1-based): chr14:67,727,125, T>C. VCF-style: chr14-67727125-T-C. GRCh37 (hg19) VCF-style: chr14-68193842-T-C.
Other names: short protein forms F198S.
Identifiers: ClinVar variation 1987078 (VCV001987078.4), dbSNP rs1364481818, ClinGen allele CA390151396.
Genomic context (GRCh38, chr14:67,727,125, plus strand): 5'-ACCACATTGGCAAGATTCCCTTCCACGACCTCCAGAGCGAGAAGCGCTACAGCAGGGGTT[T>C]TGCCTATTGCCACAGCAAGCTGGCCAATGTGCTTTTTACTCGTGAGCTGGCCAAGAGGCT-3'
Protein context (NP_689656.2, residues 188-208): LQSEKRYSRG[Phe198Ser]AYCHSKLANV

ClinVar aggregate classification (germline): Uncertain significance (1 of 4 stars; one submission).

Conditions:
Leber congenital amaurosis 13 (LCA13). Identifiers: MedGen C2675186, MONDO:0012990, OMIM 612712.

Allele frequency attached by ClinVar (database versions not stated): gnomAD 0.00001.
gnomAD v4.1: 2 of 1,614,110 alleles (0.00012%); highest among the groups gnomAD compares: African/African-American, 0.0013%; no homozygotes.

Submission:

Labcorp Genetics (formerly Invitae), Labcorp
Classification: Uncertain significance for Leber congenital amaurosis 13. Last evaluated: 2025-08-31. Review status: criteria provided, single submitter. Criteria: Invitae Variant Classification Sherloc (09022015). Collection method: clinical testing. Allele origin: germline.
Comment: This sequence change replaces phenylalanine, which is neutral and non-polar, with serine, which is neutral and polar, at codon 198 of the RDH12 protein (p.Phe198Ser). This variant is not present in population databases (gnomAD no frequency). This variant has not been reported in the literature in individuals affected with RDH12-related conditions. ClinVar contains an entry for this variant (Variation ID: 1987078). Invitae Evidence Modeling of protein sequence and biophysical properties (such as structural, functional, and spatial information, amino acid conservation, physicochemical variation, residue mobility, and thermodynamic stability) indicates that this missense variant is not expected to disrupt RDH12 protein function with a negative predictive value of 80%. In summary, the available evidence is currently insufficient to determine the role of this variant in disease. Therefore, it has been classified as a Variant of Uncertain Significance.